The following is an entry in ClinVar:

ClinVar aggregate classification (germline): Pathogenic (1 of 4 stars; one submission).

Submission:

Labcorp Genetics (formerly Invitae), Labcorp
Classification: Pathogenic. Last evaluated: 2025-04-11. Review status: criteria provided, single submitter. Criteria: Invitae Variant Classification Sherloc (09022015). Collection method: clinical testing. Allele origin: germline.
Comment: This sequence change creates a premature translational stop signal (p.Asn134*) in the MPLKIP gene. While this is not anticipated to result in nonsense mediated decay, it is expected to disrupt the last 46 amino acid(s) of the MPLKIP protein. This variant is not present in population databases (gnomAD no frequency). This variant has not been reported in the literature in individuals affected with MPLKIP-related conditions. This variant disrupts a region of the MPLKIP protein in which other variant(s) (p.Met144Val) have been determined to be pathogenic (PMID: 15645389). This suggests that this is a clinically significant region of the protein, and that variants that disrupt it are likely to be disease-causing. For these reasons, this variant has been classified as Pathogenic.

Literature cited by the submitters: PubMed 15645389.

NM_138701.4(MPLKIP):c.398_399insA (p.Ser133_Asn134insTer)

Gene: MPLKIP (M-phase specific PLK1 interacting protein; minus strand). Cytogenetic location: 7p14.1.
Variant type: Insertion.
Coding change: c.398_399insA on transcript NM_138701.4 (MANE Select); coding-DNA positions 398 to 399, A inserted.
Protein change: p.Ser133_Asn134insTer.
Molecular consequence: frameshift variant.
Genome position: GRCh38 VCF-style: chr7-40133200-A-AT. GRCh37 (hg19) VCF-style: chr7-40172799-A-AT.
Identifiers: ClinVar variation 4713003 (VCV004713003.1).